The following is an entry in ClinVar:

ClinVar aggregate classification (germline): Uncertain significance (1 of 4 stars; one submission).

Submission:

CeGaT Center for Human Genetics Tuebingen
Classification: Uncertain significance. Last evaluated: 2026-09-01. Review status: criteria provided, single submitter. Criteria: CeGaT Center For Human Genetics Tuebingen Variant Classification Criteria Version 2. Collection method: clinical testing. Allele origin: germline. Affected: yes. Observed: 1 variant allele.
Comment: ADGRV1: PM2, BP4

NM_032119.4(ADGRV1):c.11638G>T (p.Val3880Leu)

Gene: ADGRV1 (adhesion G protein-coupled receptor V1; plus strand). Cytogenetic location: 5q14.3.
Variant type: single nucleotide variant.
Coding change: c.11638G>T on transcript NM_032119.4 (MANE Select); coding-DNA position 11638, G replaced by T.
Protein change: p.Val3880Leu; replaces valine 3880 with leucine.
Molecular consequence: missense variant. On other transcripts: non-coding transcript variant (1).
Genome position (GRCh38, 1-based): chr5:90,756,511, G>T. VCF-style: chr5-90756511-G-T. GRCh37 (hg19) VCF-style: chr5-90052328-G-T.
Other names: short protein forms V3880L.
Identifiers: ClinVar variation 5041271 (VCV005041271.1).